The following is an entry in ClinVar:

GRCh38/hg38 1q44(chr1:246031245-247245758)x3

Genes: MIR3916 (microRNA 3916; minus strand), SCCPDH (saccharopine dehydrogenase (putative); plus strand), SMYD3 (SET and MYND domain containing 3; minus strand), SMYD3-AS1 (SMYD3 antisense RNA 1; plus strand), SMYD3-IT1 (SMYD3 intronic transcript 1; minus strand) and 57 more. Cytogenetic location: 1q44.
Variant type: copy number gain.
Change: copy number 3 (three copies instead of two) of chr1:246,031,245-247,245,758 (1.21 Mb, GRCh38 coordinates, 1-based), cytogenetic band 1q44.
Identifiers: ClinVar variation 57850 (VCV000057850.1).

ClinVar aggregate classification (germline): Uncertain significance (1 of 4 stars; one submission).

Submission:

ISCA site 4
Classification: Uncertain significance. Last evaluated: 2011-08-12. Review status: criteria provided, single submitter. Criteria: Kaminsky et al. (Genet Med. 2011). Collection method: clinical testing. Allele origin: unknown. Affected: yes. Observed: 1 variant allele.
Comment: Copy number variation identified through the course of routine clinical cytogenomic testing in postnatal populations. Clinical assertions have been curated as described in Kaminsky et al. 2011.